The following is an entry in ClinVar:

NM_002838.5(PTPRC):c.3844G>C (p.Glu1282Gln)

Gene: PTPRC (protein tyrosine phosphatase receptor type C; plus strand). Cytogenetic location: 1q32.1.
Variant type: single nucleotide variant.
Coding change: c.3844G>C on transcript NM_002838.5 (MANE Select); coding-DNA position 3844, G replaced by C.
Protein change: p.Glu1282Gln; replaces glutamic acid 1282 with glutamine.
Molecular consequence: missense variant.
Genome position (GRCh38, 1-based): chr1:198,756,104, G>C. VCF-style: chr1-198756104-G-C. GRCh37 (hg19) VCF-style: chr1-198725233-G-C.
Other names: c.3361G>C, p.Glu1121Gln (NM_080921.4); c.3838G>C (NM_002838.3); short protein forms E1282Q, E1121Q.
Identifiers: ClinVar variation 574812 (VCV000574812.10), dbSNP rs200950466, ClinGen allele CA1315569.
Genomic context (GRCh38, chr1:198,756,104, plus strand): 5'-GTTAATCCACTTGGTGCCCCAGAAAAGCTCCCTGAAGCAAAGGAACAGGCTGAAGGTTCT[G>C]AACCCACGAGTGGCACTGAGGGGCCAGAACATTCTGTCAATGGTCCTGCAAGTCCAGCTT-3'
Protein context (NP_002829.3, residues 1272-1292): PEAKEQAEGS[Glu1282Gln]PTSGTEGPEH

ClinVar aggregate classification (germline): Uncertain significance. Review status: criteria provided, multiple submitters, no conflicts (2 of 4 stars). 2 submissions from 2 submitters: Uncertain significance (2). Last evaluated 2025-08-21.

Conditions:
Immunodeficiency 104. Also called: SCID, AUTOSOMAL RECESSIVE, T CELL-NEGATIVE, B CELL-POSITIVE, NK CELL-POSITIVE; Severe Combined Immune Deficiency, Autosomal Recessive, TCell -Negative, B Cell-Positive, NK Cell-Positive, IL7R-Related; Severe combined immunodeficiency, autosomal recessive, T cell-negative, B cell-positive, NK cell-positive; IMMUNODEFICIENCY 104, SEVERE COMBINED. Identifiers: MedGen C5676890, MONDO:0012163, OMIM 608971.
Inborn genetic diseases. Identifiers: MedGen C0950123, MeSH D030342.

Allele frequency attached by ClinVar (database versions not stated): gnomAD 0.00002 and 0.00003; ExAC 0.00003; gnomAD exomes 0.00003; TOPMed 0.00005.
gnomAD v4.1: 95 of 1,613,282 alleles (0.0059%); highest among the groups gnomAD compares: Middle Eastern, 0.016%; no homozygotes.

Submissions (2):

Ambry Genetics
Classification: Uncertain significance for Inborn genetic diseases. Last evaluated: 2025-08-21. Review status: criteria provided, single submitter. Criteria: Ambry Variant Classification Scheme 2023. Collection method: clinical testing. Allele origin: germline.

Labcorp Genetics (formerly Invitae), Labcorp
Classification: Uncertain significance for Immunodeficiency 104. Last evaluated: 2022-03-13. Review status: criteria provided, single submitter. Criteria: Invitae Variant Classification Sherloc (09022015). Collection method: clinical testing. Allele origin: germline.
Comment: This sequence change replaces glutamic acid, which is acidic and polar, with glutamine, which is neutral and polar, at codon 1282 of the PTPRC protein (p.Glu1282Gln). This variant is present in population databases (rs200950466, gnomAD 0.007%). This variant has not been reported in the literature in individuals affected with PTPRC-related conditions. ClinVar contains an entry for this variant (Variation ID: 574812). Algorithms developed to predict the effect of missense changes on protein structure and function output the following: SIFT: "Tolerated"; PolyPhen-2: "Benign"; Align-GVGD: "Class C0". The glutamine amino acid residue is found in multiple mammalian species, which suggests that this missense change does not adversely affect protein function. In summary, the available evidence is currently insufficient to determine the role of this variant in disease. Therefore, it has been classified as a Variant of Uncertain Significance.